The following is an entry in ClinVar:

ClinVar aggregate classification (germline): Uncertain significance (1 of 4 stars; one submission).

Submission:

GeneDx
Classification: Uncertain significance. Last evaluated: 2024-09-22. Review status: criteria provided, single submitter. Criteria: GeneDx Variant Classification Process June 2021. Collection method: clinical testing. Allele origin: germline. Affected: yes.
Comment: Not observed at significant frequency in large population cohorts (gnomAD); In silico analysis indicates that this missense variant does not alter protein structure/function; Has not been previously published as pathogenic or benign to our knowledge

NM_024312.5(GNPTAB):c.2824C>G (p.Leu942Val)

Gene: GNPTAB (N-acetylglucosamine-1-phosphate transferase subunits alpha and beta; minus strand). Cytogenetic location: 12q23.2.
Variant type: single nucleotide variant.
Coding change: c.2824C>G on transcript NM_024312.5 (MANE Select); coding-DNA position 2824, C replaced by G.
Protein change: p.Leu942Val; replaces leucine 942 with valine.
Molecular consequence: missense variant.
Genome position (GRCh38, 1-based): chr12:101,761,655, G>C on the plus strand (C>G on the coding strand, the complement: GNPTAB is on the minus strand). VCF-style: chr12-101761655-G-C. GRCh37 (hg19) VCF-style: chr12-102155433-G-C.
Other names: short protein forms L942V.
Identifiers: ClinVar variation 3774294 (VCV003774294.1).